The following is an entry in ClinVar:

NM_000064.4(C3):c.199C>G (p.Leu67Val)

Gene: C3 (complement C3; minus strand). Cytogenetic location: 19p13.3.
Variant type: single nucleotide variant.
Coding change: c.199C>G on transcript NM_000064.4 (MANE Select); coding-DNA position 199, C replaced by G.
Protein change: p.Leu67Val; replaces leucine 67 with valine.
Molecular consequence: missense variant.
Genome position (GRCh38, 1-based): chr19:6,719,279, G>C on the plus strand (C>G on the coding strand, the complement: C3 is on the minus strand). VCF-style: chr19-6719279-G-C. GRCh37 (hg19) VCF-style: chr19-6719290-G-C.
Other names: short protein forms L67V.
Identifiers: ClinVar variation 4280262 (VCV004280262.1).

ClinVar aggregate classification (germline): Uncertain significance (1 of 4 stars; one submission).

Conditions:
Atypical hemolytic-uremic syndrome. Identifiers: Orphanet 2134, MedGen C2931788, MONDO:0016244.

Submission:

Genomenon, Inc
Classification: Uncertain significance for Atypical hemolytic-uremic syndrome. Last evaluated: 2025-09-30. Review status: criteria provided, single submitter. Criteria: Genomenon Sequence Variant Interpretation Standards. Collection method: curation. Allele origin: germline. Affected: no.
Comment: C3 p.Leu67Val (c.199C>G) is a missense variant that changes the amino acid at residue 67 from Leucine to Valine. This variant has been reported in the published literature (PMID:29046944). It is absent or not present at a significant frequency in gnomAD. In silico models agree that this variant is not damaging. In conclusion, we classify C3 p.Leu67Val (c.199C>G) as a variant of unknown significance.

Literature cited by the submitters: PubMed 29046944.